The following is an entry in ClinVar:

ClinVar aggregate classification (germline): Uncertain significance (1 of 4 stars; one submission).

Submission:

Labcorp Genetics (formerly Invitae), Labcorp
Classification: Uncertain significance. Last evaluated: 2022-07-29. Review status: criteria provided, single submitter. Criteria: Invitae Variant Classification Sherloc (09022015). Collection method: clinical testing. Allele origin: germline.
Comment: This variant has not been reported in the literature in individuals affected with HIVEP2-related conditions. In summary, the available evidence is currently insufficient to determine the role of this variant in disease. Therefore, it has been classified as a Variant of Uncertain Significance. Algorithms developed to predict the effect of missense changes on protein structure and function are either unavailable or do not agree on the potential impact of this missense change (SIFT: "Deleterious"; PolyPhen-2: "Probably Damaging"; Align-GVGD: "Class C15"). This variant is not present in population databases (gnomAD no frequency). This sequence change replaces serine, which is neutral and polar, with tyrosine, which is neutral and polar, at codon 1057 of the HIVEP2 protein (p.Ser1057Tyr).

NM_006734.4(HIVEP2):c.3170C>A (p.Ser1057Tyr)

Gene: HIVEP2 (HIVEP zinc finger 2; minus strand). Cytogenetic location: 6q24.2.
Variant type: single nucleotide variant.
Coding change: c.3170C>A on transcript NM_006734.4 (MANE Select); coding-DNA position 3170, C replaced by A.
Protein change: p.Ser1057Tyr; replaces serine 1057 with tyrosine.
Molecular consequence: missense variant.
Genome position (GRCh38, 1-based): chr6:142,771,569, G>T on the plus strand (C>A on the coding strand, the complement: HIVEP2 is on the minus strand). VCF-style: chr6-142771569-G-T. GRCh37 (hg19) VCF-style: chr6-143092706-G-T.
Other names: short protein forms S1057Y.
Identifiers: ClinVar variation 1714058 (VCV001714058.5), dbSNP rs2482833633, ClinGen allele CA365905085.